The following is an entry in ClinVar:

NM_000179.3(MSH6):c.2651C>G (p.Ser884Cys)

Gene: MSH6 (mutS homolog 6; plus strand). Cytogenetic location: 2p16.3.
Variant type: single nucleotide variant.
Coding change: c.2651C>G on transcript NM_000179.3 (MANE Select); coding-DNA position 2651, C replaced by G.
Protein change: p.Ser884Cys; replaces serine 884 with cysteine.
Molecular consequence: missense variant.
Genome position (GRCh38, 1-based): chr2:47,800,634, C>G. VCF-style: chr2-47800634-C-G. GRCh37 (hg19) VCF-style: chr2-48027773-C-G.
Other names: c.1745C>G, p.Ser582Cys (NM_001281493.2, NM_001281494.2); c.2261C>G, p.Ser754Cys (NM_001281492.2); short protein forms S884C, S582C, S754C.
Identifiers: ClinVar variation 230830 (VCV000230830.23), dbSNP rs561217424, ClinGen allele CA10578110.

ClinVar aggregate classification (germline): Conflicting classifications of pathogenicity. Review status: criteria provided, conflicting classifications (1 of 4 stars). 5 submissions from 5 submitters: Uncertain significance (4); Likely benign (1). Last evaluated 2025-04-03.

Conditions:
Hereditary cancer-predisposing syndrome. Also called: Neoplastic Syndromes, Hereditary; Tumor predisposition; Hereditary Cancer Syndrome; Hereditary neoplastic syndrome. Identifiers: Orphanet 140162, MedGen C0027672, MeSH D009386, MONDO:0015356.
Lynch syndrome. Identifiers: Orphanet 144, MedGen C4552100, MONDO:0005835. Disease mechanism: loss of function.
Hereditary nonpolyposis colorectal neoplasms. Identifiers: MedGen C0009405, MeSH D003123.
Endometrial carcinoma. Also called: Endometrial carcinoma, somatic. Identifiers: MedGen C0476089, MONDO:0002447, OMIM 608089, HP:0012114.

Allele frequency attached by ClinVar (database versions not stated): gnomAD exomes below 0.00001 and 0.00001; TOPMed below 0.00001; gnomAD 0.00001.
gnomAD v4.1: 4 of 1,614,034 alleles (0.00025%); highest among the groups gnomAD compares: South Asian, 0.0011%; no homozygotes.

Submissions (5):

Labcorp Genetics (formerly Invitae), Labcorp
Classification: Likely benign for Hereditary nonpolyposis colorectal neoplasms. Last evaluated: 2025-04-03. Review status: criteria provided, single submitter. Criteria: Invitae Variant Classification Sherloc (09022015). Collection method: clinical testing. Allele origin: germline.

Ambry Genetics
Classification: Uncertain significance for Hereditary cancer-predisposing syndrome. Last evaluated: 2025-02-12. Review status: criteria provided, single submitter. Criteria: Ambry Variant Classification Scheme 2023. Collection method: clinical testing. Allele origin: germline.
Comment: The p.S884C variant (also known as c.2651C>G), located in coding exon 4 of the MSH6 gene, results from a C to G substitution at nucleotide position 2651. The serine at codon 884 is replaced by cysteine, an amino acid with dissimilar properties. This alteration was identified in an individual with multiple colon adenomas (Weren RD et al. Nat Genet, 2015 Jun;47:668-71). This amino acid position is highly conserved in available vertebrate species. In addition, this alteration is predicted to be deleterious by in silico analysis. Based on the available evidence, the clinical significance of this variant remains unclear..

All of Us Research Program, National Institutes of Health
Classification: Uncertain significance for Lynch syndrome. Last evaluated: 2024-03-05. Review status: criteria provided, single submitter. Criteria: ACMG Guidelines, 2015. Collection method: clinical testing. Allele origin: germline. Inheritance: Autosomal dominant inheritance. Observed: 2 variant alleles, 2 heterozygotes.
Comment: This missense variant replaces serine with cysteine at codon 884 of the MSH6 protein. Computational prediction suggests that this variant may have deleterious impact on protein structure and function (internally defined REVEL score threshold >= 0.7, PMID: 27666373). Splice site prediction tools suggest that this variant may not impact RNA splicing. To our knowledge, functional studies have not been reported for this variant. This variant has not been reported in individuals affected with hereditary cancer in the literature. This variant has been identified in 2/281880 chromosomes in the general population by the Genome Aggregation Database (gnomAD). The available evidence is insufficient to determine the role of this variant in disease conclusively. Therefore, this variant is classified as a Variant of Uncertain Significance.

This study involves interpretation of variants in research participants for the purpose of population health screening. Participant phenotype was not available at the time of variant classification. Additional details can be found in publication PMID: 35346344, PMCID: PMC8962531

Baylor Genetics
Classification: Uncertain significance for Endometrial carcinoma. Last evaluated: 2023-10-26. Review status: criteria provided, single submitter. Criteria: ACMG Guidelines, 2015. Collection method: clinical testing. Allele origin: unknown.

Color Diagnostics, LLC DBA Color Health
Classification: Uncertain significance for Hereditary cancer-predisposing syndrome. Last evaluated: 2021-03-24. Review status: criteria provided, single submitter. Criteria: ACMG Guidelines, 2015. Collection method: clinical testing. Allele origin: germline.
Comment: This missense variant replaces serine with cysteine at codon 884 of the MSH6 protein. Computational prediction suggests that this variant may have deleterious impact on protein structure and function (internally defined REVEL score threshold >= 0.7, PMID: 27666373). Splice site prediction tools suggest that this variant may not impact RNA splicing. To our knowledge, functional studies have not been reported for this variant. This variant has not been reported in individuals affected with hereditary cancer in the literature. This variant has been identified in 2/281880 chromosomes in the general population by the Genome Aggregation Database (gnomAD). The available evidence is insufficient to determine the role of this variant in disease conclusively. Therefore, this variant is classified as a Variant of Uncertain Significance.

Literature cited by the submitters: PubMed 25938944 (cited by Ambry Genetics).